The following is an entry in ClinVar:

NM_182914.3(SYNE2):c.12764C>T (p.Ala4255Val)

Gene: SYNE2 (spectrin repeat containing nuclear envelope protein 2; plus strand). Cytogenetic location: 14q23.2.
Variant type: single nucleotide variant.
Coding change: c.12764C>T on transcript NM_182914.3 (MANE Select); coding-DNA position 12764, C replaced by T.
Protein change: p.Ala4255Val; replaces alanine 4255 with valine.
Molecular consequence: missense variant.
Genome position (GRCh38, 1-based): chr14:64,113,495, C>T. VCF-style: chr14-64113495-C-T. GRCh37 (hg19) VCF-style: chr14-64580213-C-T.
Other names: c.12764C>T, p.Ala4255Val (NM_015180.6); short protein forms A4255V.
Identifiers: ClinVar variation 1928224 (VCV001928224.6), dbSNP rs761740176, ClinGen allele CA7222250.

ClinVar aggregate classification (germline): Uncertain significance. Review status: criteria provided, multiple submitters, no conflicts (2 of 4 stars). 2 submissions from 2 submitters: Uncertain significance (2). Last evaluated 2025-05-08.

Conditions:
Emery-Dreifuss muscular dystrophy 5, autosomal dominant (EDMD5). Also called: EMERY-DREIFUSS MUSCULAR DYSTROPHY 5. Identifiers: Orphanet 261, MedGen C2751805, MONDO:0013072, OMIM 612999.

Allele frequency attached by ClinVar (database versions not stated): gnomAD exomes below 0.00001; TOPMed below 0.00001; ExAC 0.00001.
gnomAD v4.1: 3 of 1,614,072 alleles (0.00019%); highest among the groups gnomAD compares: East Asian, 0.0022%; no homozygotes.

Submissions (2):

Women's Health and Genetics/Laboratory Corporation of America, LabCorp
Classification: Uncertain significance. Last evaluated: 2025-05-08. Review status: criteria provided, single submitter. Criteria: LabCorp Variant Classification Summary - May 2015. Collection method: clinical testing. Allele origin: germline.
Comment: Variant summary: SYNE2 c.12764C>T (p.Ala4255Val) results in a non-conservative amino acid change in the encoded protein sequence. Algorithms developed to predict the effect of missense changes on protein structure and function are either unavailable or do not agree on the potential impact of this missense change. The variant allele was found at a frequency of 8e-06 in 251050 control chromosomes. The available data on variant occurrences in the general population are insufficient to allow any conclusion about variant significance. To our knowledge, no occurrence of c.12764C>T in individuals affected with Emery-Dreifuss muscular dystrophy 5, autosomal dominant and no experimental evidence demonstrating its impact on protein function have been reported. ClinVar contains an entry for this variant (Variation ID: 1928224). Based on the evidence outlined above, the variant was classified as uncertain significance.

Labcorp Genetics (formerly Invitae), Labcorp
Classification: Uncertain significance for Emery-Dreifuss muscular dystrophy 5, autosomal dominant. Last evaluated: 2022-07-19. Review status: criteria provided, single submitter. Criteria: Invitae Variant Classification Sherloc (09022015). Collection method: clinical testing. Allele origin: germline.
Comment: In summary, the available evidence is currently insufficient to determine the role of this variant in disease. Therefore, it has been classified as a Variant of Uncertain Significance. Algorithms developed to predict the effect of missense changes on protein structure and function are either unavailable or do not agree on the potential impact of this missense change (SIFT: "Tolerated"; PolyPhen-2: "Probably Damaging"; Align-GVGD: "Class C0"). This variant has not been reported in the literature in individuals affected with SYNE2-related conditions. This variant is present in population databases (rs761740176, gnomAD 0.006%). This sequence change replaces alanine, which is neutral and non-polar, with valine, which is neutral and non-polar, at codon 4255 of the SYNE2 protein (p.Ala4255Val).